The following is an entry in ClinVar:

ClinVar aggregate classification (germline): Pathogenic (1 of 4 stars; one submission).

Conditions:
Pyridoxine-dependent epilepsy (EPEO4). Also called: Pyridoxine-Dependent Seizures; PYRIDOXINE DEPENDENCY WITH SEIZURES; EPILEPSY, EARLY-ONSET, 4, VITAMIN B6-DEPENDENT; Pyridoxine-Dependent Epilepsy - ALDH7A1. Identifiers: Orphanet 3006, MedGen C1849508, MONDO:0009945, OMIM 266100. Disease mechanism: loss of function.

Allele frequency attached by ClinVar (database versions not stated): ExAC 0.00001; gnomAD 0.00001; 1000 Genomes Project 30x 0.00016; 1000 Genomes Project 0.00020; gnomAD exomes 0.00001; TOPMed 0.00001.
gnomAD v4.1: 6 of 1,614,022 alleles (0.00037%); highest among the groups gnomAD compares: East Asian, 0.013%; no homozygotes.

Submission:

Labcorp Genetics (formerly Invitae), Labcorp
Classification: Pathogenic for Pyridoxine-dependent epilepsy. Last evaluated: 2023-12-28. Review status: criteria provided, single submitter. Criteria: Invitae Variant Classification Sherloc (09022015). Collection method: clinical testing. Allele origin: germline.
Comment: This sequence change falls in intron 9 of the ALDH7A1 gene. It does not directly change the encoded amino acid sequence of the ALDH7A1 protein. It affects a nucleotide within the consensus splice site. This variant is present in population databases (rs148525366, gnomAD 0.006%). This variant has been observed in individual(s) with pyridoxine-dependent epilepsy (PMID: 26555630). In at least one individual the data is consistent with being in trans (on the opposite chromosome) from a pathogenic variant. Variants that disrupt the consensus splice site are a relatively common cause of aberrant splicing (PMID: 17576681, 9536098). Algorithms developed to predict the effect of sequence changes on RNA splicing suggest that this variant may disrupt the consensus splice site. For these reasons, this variant has been classified as Pathogenic.

Literature cited by the submitters: PubMed 26555630; PubMed 17576681; PubMed 9536098.

NM_001182.5(ALDH7A1):c.871+5G>A

Gene: ALDH7A1 (aldehyde dehydrogenase 7 family member A1; minus strand). Cytogenetic location: 5q23.2.
Variant type: single nucleotide variant.
Coding change: c.871+5G>A on transcript NM_001182.5 (MANE Select); 5 bases into the intron after coding-DNA position 871, G replaced by A.
Molecular consequence: intron variant.
Genome position (GRCh38, 1-based): chr5:126,568,254, C>T on the plus strand (G>A on the coding strand, the complement: ALDH7A1 is on the minus strand). VCF-style: chr5-126568254-C-T. GRCh37 (hg19) VCF-style: chr5-125903946-C-T.
Other names: c.871+5G>A (NM_001202404.2); c.787+5G>A (NM_001201377.2).
Identifiers: ClinVar variation 2734775 (VCV002734775.3), dbSNP rs148525366, ClinGen allele CA3389633.